The following is an entry in ClinVar:

NM_004595.5(SMS):c.843A>G (p.Pro281=)

Gene: SMS (spermine synthase; plus strand). Cytogenetic location: Xp22.11.
Variant type: single nucleotide variant.
Coding change: c.843A>G on transcript NM_004595.5 (MANE Select); coding-DNA position 843, A replaced by G.
Protein change: p.Pro281=; no amino-acid change (proline 281 retained).
Molecular consequence: synonymous variant.
Genome position (GRCh38, 1-based): chrX:21,984,396, A>G. VCF-style: chrX-21984396-A-G. GRCh37 (hg19) VCF-style: chrX-22002514-A-G.
Other names: c.843A>G (NM_004595.4); c.684A>G, p.Pro228= (NM_001258423.2).
Identifiers: ClinVar variation 1763378 (VCV001763378.6), dbSNP rs144489522, ClinGen allele CA10367865.

ClinVar aggregate classification (germline): Benign/Likely benign. Review status: criteria provided, multiple submitters, no conflicts (2 of 4 stars). 4 submissions from 4 submitters: Benign (2); Likely benign (2). Last evaluated 2026-01-17.

Conditions:
Inborn genetic diseases. Identifiers: MedGen C0950123, MeSH D030342.
SMS-related disorder. Also called: SMS-related condition.

Allele frequency attached by ClinVar (database versions not stated): gnomAD exomes 0.00006; ExAC 0.00025; gnomAD 0.00065; ESP Exome Variant Server 0.00066; TOPMed 0.00066; 1000 Genomes Project 0.00106; 1000 Genomes Project 30x 0.00125.
gnomAD v4.1: 136 of 1,161,688 alleles (0.012%); highest among the groups gnomAD compares: African/African-American, 0.2%; no homozygotes.

Submissions (4):

Labcorp Genetics (formerly Invitae), Labcorp
Classification: Benign. Last evaluated: 2026-01-17. Review status: criteria provided, single submitter. Criteria: Invitae Variant Classification Sherloc (09022015). Collection method: clinical testing. Allele origin: germline.

PreventionGenetics, part of Exact Sciences
Classification: Likely benign for SMS-related condition. Last evaluated: 2025-04-17. Review status: criteria provided, single submitter. Criteria: ACMG Guidelines, 2015. Collection method: clinical testing. Allele origin: germline.
Comment: This variant is classified as likely benign based on ACMG/AMP sequence variant interpretation guidelines (Richards et al. 2015 PMID: 25741868, with internal and published modifications).

Blueprint Genetics
Classification: Likely benign. Last evaluated: 2024-09-04. Review status: criteria provided, single submitter. Criteria: ACMG Guidelines, 2015. Collection method: clinical testing. Allele origin: germline.

Ambry Genetics
Classification: Benign for Inborn genetic diseases. Last evaluated: 2019-01-08. Review status: criteria provided, single submitter. Criteria: Ambry Variant Classification Scheme 2023. Collection method: clinical testing. Allele origin: germline.